The following is an entry in ClinVar:

NM_001127222.2(CACNA1A):c.1394C>G (p.Ser465Trp)

Gene: CACNA1A (calcium voltage-gated channel subunit alpha1 A; minus strand). Cytogenetic location: 19p13.13.
Variant type: single nucleotide variant.
Coding change: c.1394C>G on transcript NM_001127222.2 (MANE Select); coding-DNA position 1394, C replaced by G.
Protein change: p.Ser465Trp; replaces serine 465 with tryptophan.
Molecular consequence: missense variant.
Genome position (GRCh38, 1-based): chr19:13,317,273, G>C on the plus strand (C>G on the coding strand, the complement: CACNA1A is on the minus strand). VCF-style: chr19-13317273-G-C. GRCh37 (hg19) VCF-style: chr19-13428087-G-C.
Other names: c.1397C>G, p.Ser466Trp (NM_000068.4, NM_001127221.2, NM_001174080.2 and 1 more transcripts); short protein forms S465W, S466W.
Identifiers: ClinVar variation 3753539 (VCV003753539.3).

ClinVar aggregate classification (germline): Uncertain significance. Review status: criteria provided, multiple submitters, no conflicts (2 of 4 stars). 2 submissions from 2 submitters: Uncertain significance (2). Last evaluated 2025-10-30.

Conditions:
Episodic ataxia type 2 (EA2). Also called: ATAXIA, EPISODIC, WITH NYSTAGMUS; ATAXIA, FAMILIAL PAROXYSMAL; ACETAZOLAMIDE-RESPONSIVE HEREDITARY PAROXYSMAL CEREBELLAR ATAXIA; CEREBELLAR ATAXIA, PAROXYSMAL, ACETAZOLAMIDE-RESPONSIVE; CEREBELLOPATHY, HEREDITARY PAROXYSMAL; EPISODIC ATAXIA, NYSTAGMUS-ASSOCIATED. Identifiers: Orphanet 97, MedGen C1720416, MONDO:0007163, OMIM 108500.
Developmental and epileptic encephalopathy, 42 (DEE42A). Also called: Epileptic encephalopathy, early infantile, 42; DEVELOPMENTAL AND EPILEPTIC ENCEPHALOPATHY 42A; EPILEPTIC ENCEPHALOPATHY, EARLY INFANTILE, 42A. Identifiers: MedGen C4310716, MONDO:0014917, OMIM 617106.
Migraine, familial hemiplegic, 1. Also called: MIGRAINE, FAMILIAL HEMIPLEGIC 1, WITH PROGRESSIVE CEREBELLAR ATAXIA. Identifiers: Orphanet 569, MedGen C1832884, MONDO:0020756, OMIM 141500, MONDO:0007714.
Spinocerebellar ataxia type 6 (SCA6). Identifiers: Orphanet 98758, MedGen C0752124, MONDO:0008457, OMIM 183086.

Submissions (2):

Clinical Genomics Laboratory, Washington University in St. Louis
Classification: Uncertain significance for Developmental and epileptic encephalopathy, 42; Episodic ataxia type 2; Migraine, familial hemiplegic, 1; Spinocerebellar ataxia type 6. Last evaluated: 2025-10-30. Review status: criteria provided, single submitter. Criteria: ACMG Guidelines, 2015. Collection method: clinical testing. Allele origin: germline.
Comment: The CACNA1A c.1394C>G (p.Ser465Trp) variant, to our knowledge, has not been reported in the medical literature. This variant is absent from the general population (gnomAD v2.1.1), indicating it is not a common variant. Computational predictors indicate that the variant is damaging, evidence that correlates with impact to CACNA1A function. This variant has been reported in the ClinVar database as a germline variant of uncertain significance by one submitter. Due to limited information, and based on ACMG/AMP guidelines for variant interpretation (Richards S et al., PMID: 25741868), the clinical significance of this variant is uncertain at this time.

Labcorp Genetics (formerly Invitae), Labcorp
Classification: Uncertain significance for Developmental and epileptic encephalopathy, 42; Episodic ataxia type 2. Last evaluated: 2024-02-08. Review status: criteria provided, single submitter. Criteria: Invitae Variant Classification Sherloc (09022015). Collection method: clinical testing. Allele origin: germline.
Comment: This sequence change replaces serine, which is neutral and polar, with tryptophan, which is neutral and slightly polar, at codon 466 of the CACNA1A protein (p.Ser466Trp). This variant is not present in population databases (gnomAD no frequency). This variant has not been reported in the literature in individuals affected with CACNA1A-related conditions. Advanced modeling of protein sequence and biophysical properties (such as structural, functional, and spatial information, amino acid conservation, physicochemical variation, residue mobility, and thermodynamic stability) performed at Invitae indicates that this missense variant is expected to disrupt CACNA1A protein function with a positive predictive value of 95%. In summary, the available evidence is currently insufficient to determine the role of this variant in disease. Therefore, it has been classified as a Variant of Uncertain Significance.